The following is an entry in ClinVar:

ClinVar aggregate classification (germline): Benign/Likely benign. Review status: criteria provided, multiple submitters, no conflicts (2 of 4 stars). 4 submissions from 4 submitters: Benign (2); Likely benign (1). 1 of the submissions does not count toward it. Last evaluated 2026-02-02.

Conditions:
C1S-related disorder. Also called: C1S-related condition.

Allele frequency attached by ClinVar (database versions not stated): gnomAD exomes 0.00074 and 0.00212; ExAC 0.00267; gnomAD 0.00719 and 0.00785; TOPMed 0.00852; ESP Exome Variant Server 0.00892; 1000 Genomes Project 30x 0.00921; 1000 Genomes Project 0.00938.
gnomAD v4.1: 2,249 of 1,613,970 alleles (0.14%); highest among the groups gnomAD compares: African/African-American, 2.5%; 24 homozygotes.

Submissions (4):

Labcorp Genetics (formerly Invitae), Labcorp
Classification: Benign. Last evaluated: 2026-02-02. Review status: criteria provided, single submitter. Criteria: Invitae Variant Classification Sherloc (09022015). Collection method: clinical testing. Allele origin: germline.

Women's Health and Genetics/Laboratory Corporation of America, LabCorp
Classification: Likely benign. Last evaluated: 2026-01-30. Review status: criteria provided, single submitter. Criteria: LabCorp Variant Classification Summary - May 2015. Collection method: clinical testing. Allele origin: germline.
Comment: Variant summary: C1S c.1148G>A (p.Arg383His) results in a non-conservative amino acid change in the encoded protein sequence. Algorithms developed to predict the effect of missense changes on protein structure and function are either unavailable or do not agree on the potential impact of this missense change. The variant allele was found at a frequency of 0.0021 in 251414 control chromosomes, predominantly at a frequency of 0.028 within the African or African-American subpopulation in the gnomAD database, including 7 homozygotes. The observed variant frequency within African or African-American control individuals in the gnomAD database exceeds the estimated maximal expected allele frequency for disease-causing variants in C1S. To our knowledge, no occurrence of c.1148G>A in individuals affected with C1S-related conditions and no experimental evidence demonstrating its impact on protein function have been reported. ClinVar contains an entry for this variant (Variation ID: 710128). Based on the evidence outlined above, the variant was classified as likely benign.

Mayo Clinic Laboratories, Mayo Clinic
Classification: Benign. Last evaluated: 2023-11-09. Review status: criteria provided, single submitter. Criteria: ACMG Guidelines, 2015. Collection method: clinical testing. Allele origin: germline. Observed: 4 variant alleles.
Comment: BS1, BS2, BP4

PreventionGenetics, part of Exact Sciences
Classification: Benign for C1S-related condition. Last evaluated: 2019-07-08. Review status: no assertion criteria provided. Collection method: clinical testing. Allele origin: germline. Not counted in ClinVar's aggregate classification.
Comment: This variant is classified as benign based on ACMG/AMP sequence variant interpretation guidelines (Richards et al. 2015 PMID: 25741868, with internal and published modifications).

NM_001734.5(C1S):c.1148G>A (p.Arg383His)

Gene: C1S (complement C1s; plus strand). Cytogenetic location: 12p13.31.
Variant type: single nucleotide variant.
Coding change: c.1148G>A on transcript NM_001734.5 (MANE Select); coding-DNA position 1148, G replaced by A.
Protein change: p.Arg383His; replaces arginine 383 with histidine.
Molecular consequence: missense variant.
Genome position (GRCh38, 1-based): chr12:7,067,724, G>A. VCF-style: chr12-7067724-G-A. GRCh37 (hg19) VCF-style: chr12-7175028-G-A.
Other names: p.Arg383His; c.647G>A, p.Arg216His (NM_001346850.2); c.1148G>A, p.Arg383His (NM_201442.4); c.1148G>A (NM_201442.3); short protein forms R216H, R383H.
Identifiers: ClinVar variation 710128 (VCV000710128.15), dbSNP rs20573, ClinGen allele CA6423687.